The following is an entry in ClinVar:

NM_001349338.3(FOXP1):c.1003G>A (p.Asp335Asn)

Gene: FOXP1 (forkhead box P1; minus strand). Cytogenetic location: 3p13.
Variant type: single nucleotide variant.
Coding change: c.1003G>A on transcript NM_001349338.3 (MANE Select); coding-DNA position 1003, G replaced by A.
Protein change: p.Asp335Asn; replaces aspartic acid 335 with asparagine.
Molecular consequence: missense variant.
Genome position (GRCh38, 1-based): chr3:71,001,031, C>T on the plus strand (G>A on the coding strand, the complement: FOXP1 is on the minus strand). VCF-style: chr3-71001031-C-T. GRCh37 (hg19) VCF-style: chr3-71050182-C-T.
Other names: c.1003G>A, p.Asp335Asn (NM_001244810.2, NM_001244814.3, NM_001244816.2 and 3 more transcripts); c.775G>A, p.Asp259Asn (NM_001244812.3); c.703G>A, p.Asp235Asn (NM_001244813.3, NM_001244815.2, NM_001349342.3 and 1 more transcripts); c.700G>A, p.Asp234Asn (NM_001349337.2, NM_001349343.3, NM_001349344.3); c.1000G>A, p.Asp334Asn (NM_001349341.3); short protein forms D234N, D235N, D259N, D334N, D335N.
Identifiers: ClinVar variation 5016910 (VCV005016910.1).

ClinVar aggregate classification (germline): Uncertain significance (1 of 4 stars; one submission).

gnomAD v4.1: 2 of 1,613,200 alleles (0.00012%); highest among the groups gnomAD compares: Non-Finnish European, 0.000085%; no homozygotes.

Submission:

GeneDx
Classification: Uncertain significance. Last evaluated: 2026-03-02. Review status: criteria provided, single submitter. Criteria: GeneDx Variant Classification Process June 2021. Collection method: clinical testing. Allele origin: germline.
Comment: Not observed at significant frequency in large population cohorts (gnomAD); In silico analysis supports that this missense variant has a deleterious effect on protein structure/function; Has not been previously published as pathogenic or benign to our knowledge